The following is an entry in ClinVar:

ClinVar aggregate classification (germline): Uncertain significance (1 of 4 stars; one submission).

Conditions:
GREB1L-related disorder. Also called: GREB1L-related condition.

gnomAD v4.1: 35 of 1,540,832 alleles (0.0023%); highest among the groups gnomAD compares: African/African-American, 0.012%; no homozygotes.

Submissions (3):

PreventionGenetics, part of Exact Sciences
Classification: Uncertain significance for GREB1L-related condition. Last evaluated: 2026-06-15. Review status: criteria provided, single submitter. Criteria: ACMG Guidelines, 2015. Collection method: clinical testing. Allele origin: germline.
Comment: The GREB1L c.4072G>A variant is predicted to result in the amino acid substitution p.Asp1358Asn. To our knowledge, this variant has not been reported in the literature. This variant is reported in 0.024% of alleles in individuals of African descent in gnomAD. Although we suspect that this variant may be benign, at this time, the clinical significance of this variant is uncertain due to the absence of conclusive functional and genetic evidence.

Dr. Peter K. Rogan Lab, Western University
No classification provided (evidence only). Condition: Familial cancer of breast. Review status: no classification provided. Collection method: in vitro. Allele origin: not applicable. Functional consequence: retained intron. Not counted in ClinVar's aggregate classification.

Dr. Peter K. Rogan Lab, Western University
No classification provided (evidence only). Condition: Malignant tumor of esophagus. Review status: no classification provided. Collection method: in vitro. Allele origin: not applicable. Functional consequence: retained intron. Not counted in ClinVar's aggregate classification.

NM_001142966.3(GREB1L):c.4072G>A (p.Asp1358Asn)

Gene: GREB1L (GREB1 like retinoic acid receptor coactivator; plus strand). Cytogenetic location: 18q11.2.
Variant type: single nucleotide variant.
Coding change: c.4072G>A on transcript NM_001142966.3 (MANE Select); coding-DNA position 4072, G replaced by A.
Protein change: p.Asp1358Asn; replaces aspartic acid 1358 with asparagine.
Molecular consequence: missense variant.
Genome position (GRCh38, 1-based): chr18:21,500,642, G>A. VCF-style: chr18-21500642-G-A. GRCh37 (hg19) VCF-style: chr18-19080603-G-A.
Other names: NC_000018.9:g.19080603G>A; c.4201G>A, p.Asp1401Asn (NM_001410867.1); c.3745G>A, p.Asp1249Asn (NM_001410868.1); c.4072G>A (NM_001142966.1); short protein forms D1401N, D1249N, D1358N.
Identifiers: ClinVar variation 4430420 (VCV004430420.2).
Genomic context (GRCh38, chr18:21,500,642, plus strand): 5'-TTCCGCATGCTCATCAGGCTCCTGGAGGTGGACGTGTATGATGAGGAGGAGATCAACACC[G>A]GTGAGTGCTGAGCCCAGGGAGTGGGCAGAGGGGCAAGAGACAAAGACATTGAATTGCAAA-3'
Protein context (NP_001136438.1, residues 1348-1368): DVYDEEEINT[Asp1358Asn]HNESSEVSQS